The following is an entry in ClinVar:

NM_000069.3(CACNA1S):c.1265G>A (p.Arg422His)

Gene: CACNA1S (calcium voltage-gated channel subunit alpha1 S; minus strand). Cytogenetic location: 1q32.1.
Variant type: single nucleotide variant.
Coding change: c.1265G>A on transcript NM_000069.3 (MANE Select); coding-DNA position 1265, G replaced by A.
Protein change: p.Arg422His; replaces arginine 422 with histidine.
Molecular consequence: missense variant.
Genome position (GRCh38, 1-based): chr1:201,083,290, C>T on the plus strand (G>A on the coding strand, the complement: CACNA1S is on the minus strand). VCF-style: chr1-201083290-C-T. GRCh37 (hg19) VCF-style: chr1-201052418-C-T.
Other names: p.Arg422His; c.1265G>A (NM_000069.2); short protein forms R422H.
Identifiers: ClinVar variation 1985430 (VCV001985430.7), dbSNP rs768968718, ClinGen allele CA078106.

ClinVar aggregate classification (germline): Conflicting classifications of pathogenicity. Review status: criteria provided, conflicting classifications (1 of 4 stars). 4 submissions from 4 submitters: Uncertain significance (3); Benign (1). Last evaluated 2025-10-14.

Conditions:
Hypokalemic periodic paralysis, type 1. Also called: HypoPP; Hypokalemic Periodic Paralysis Type 1 (AD). Identifiers: Orphanet 681, MedGen C3714580, MONDO:0042979, OMIM 170400.
Malignant hyperthermia, susceptibility to, 5 (MHS5). Also called: CACNA1S-Related Malignant Hyperthermia Susceptibility. Identifiers: Orphanet 423, MedGen C1866077, MONDO:0011163, OMIM 601887.

Allele frequency attached by ClinVar (database versions not stated): gnomAD 0.00005; TOPMed 0.00006; ExAC 0.00008.
gnomAD v4.1: 38 of 1,614,072 alleles (0.0024%); highest among the groups gnomAD compares: South Asian, 0.012%; no homozygotes.

Submissions (4):

Labcorp Genetics (formerly Invitae), Labcorp
Classification: Benign for Hypokalemic periodic paralysis, type 1; Malignant hyperthermia, susceptibility to, 5. Last evaluated: 2025-10-14. Review status: criteria provided, single submitter. Criteria: Invitae Variant Classification Sherloc (09022015). Collection method: clinical testing. Allele origin: germline.

GeneDx
Classification: Uncertain significance. Last evaluated: 2025-05-21. Review status: criteria provided, single submitter. Criteria: GeneDx Variant Classification Process June 2021. Collection method: clinical testing. Allele origin: germline. Affected: yes.
Comment: In silico analysis supports that this missense variant has a deleterious effect on protein structure/function; Has not been previously published as pathogenic or benign to our knowledge

All of Us Research Program, National Institutes of Health
Classification: Uncertain significance for Malignant hyperthermia, susceptibility to, 5. Last evaluated: 2023-12-01. Review status: criteria provided, single submitter. Criteria: ACMG Guidelines, 2015. Collection method: clinical testing. Allele origin: germline. Inheritance: Autosomal dominant inheritance. Observed: 5 variant alleles, 5 heterozygotes.
Comment: This missense variant replaces arginine with histidine at codon 422 of the CACNA1S protein. Computational prediction suggests that this variant may have deleterious impact on protein structure and function (internally defined REVEL score threshold >= 0.7, PMID: 27666373). To our knowledge, functional studies have not been reported for this variant. This variant has not been reported in individuals affected with CACNA1S-related disorders in the literature. This variant has been identified in 16/282890 chromosomes in the general population by the Genome Aggregation Database (gnomAD). The available evidence is insufficient to determine the role of this variant in disease conclusively. Therefore, this variant is classified as a Variant of Uncertain Significance.

This study involves interpretation of variants in research participants for the purpose of population health screening. Participant phenotype was not available at the time of variant classification. Additional details can be found in publication PMID: 35346344, PMCID: PMC8962531

Mayo Clinic Laboratories, Mayo Clinic
Classification: Uncertain significance. Last evaluated: 2023-02-14. Review status: criteria provided, single submitter. Criteria: ACMG Guidelines, 2015. Collection method: clinical testing. Allele origin: germline. Observed: 1 variant allele.
Comment: PP3